The following is an entry in ClinVar:

NM_000784.4(CYP27A1):c.1477C>A (p.Leu493Met)

Gene: CYP27A1 (cytochrome P450 family 27 subfamily A member 1; plus strand). Cytogenetic location: 2q35.
Variant type: single nucleotide variant.
Coding change: c.1477C>A on transcript NM_000784.4 (MANE Select); coding-DNA position 1477, C replaced by A.
Protein change: p.Leu493Met; replaces leucine 493 with methionine.
Molecular consequence: missense variant.
Genome position (GRCh38, 1-based): chr2:218,814,911, C>A. VCF-style: chr2-218814911-C-A. GRCh37 (hg19) VCF-style: chr2-219679634-C-A.
Other names: short protein forms L493M.
Identifiers: ClinVar variation 1968621 (VCV001968621.2), dbSNP rs774975996, ClinGen allele CA2112925.

ClinVar aggregate classification (germline): Uncertain significance (1 of 4 stars; one submission).

Conditions:
Cholestanol storage disease (CTX). Also called: CTX: Cerebrotendinous xanthomatosis; CEREBRAL CHOLESTERINOSIS; Cerebrotendinous Xanthomatosis. Identifiers: Orphanet 909, MedGen C0238052, MONDO:0008948, OMIM 213700.

Allele frequency attached by ClinVar (database versions not stated): ExAC 0.00001; TOPMed 0.00001.
gnomAD v4.1: 2 of 1,614,222 alleles (0.00012%); highest among the groups gnomAD compares: Admixed American, 0.0033%; no homozygotes.

Submission:

Labcorp Genetics (formerly Invitae), Labcorp
Classification: Uncertain significance for Cholestanol storage disease. Last evaluated: 2021-12-23. Review status: criteria provided, single submitter. Criteria: Invitae Variant Classification Sherloc (09022015). Collection method: clinical testing. Allele origin: germline.
Comment: This sequence change replaces leucine, which is neutral and non-polar, with methionine, which is neutral and non-polar, at codon 493 of the CYP27A1 protein (p.Leu493Met). This variant is present in population databases (rs774975996, gnomAD 0.006%). This variant has not been reported in the literature in individuals affected with CYP27A1-related conditions. Algorithms developed to predict the effect of missense changes on protein structure and function are either unavailable or do not agree on the potential impact of this missense change (SIFT: "Deleterious"; PolyPhen-2: "Possibly Damaging"; Align-GVGD: "Class C0"). In summary, the available evidence is currently insufficient to determine the role of this variant in disease. Therefore, it has been classified as a Variant of Uncertain Significance.